The following is an entry in ClinVar:

ClinVar aggregate classification (germline): Likely benign (0 of 4 stars; one submission).

Conditions:
PLXNA3-related disorder. Also called: PLXNA3-related condition.

Allele frequency attached by ClinVar (database versions not stated): gnomAD 0.00002; TOPMed 0.00008; ExAC 0.00013.

Submission:

PreventionGenetics, part of Exact Sciences
Classification: Likely benign for PLXNA3-related condition. Last evaluated: 2021-09-20. Review status: no assertion criteria provided. Collection method: clinical testing. Allele origin: germline.
Comment: This variant is classified as likely benign based on ACMG/AMP sequence variant interpretation guidelines (Richards et al. 2015 PMID: 25741868, with internal and published modifications).

NM_017514.5(PLXNA3):c.1548-6G>A

Gene: PLXNA3 (plexin A3; plus strand). Cytogenetic location: Xq28.
Variant type: single nucleotide variant.
Coding change: c.1548-6G>A on transcript NM_017514.5 (MANE Select); 6 bases into the intron before coding-DNA position 1548, G replaced by A.
Molecular consequence: intron variant.
Genome position (GRCh38, 1-based): chrX:154,463,945, G>A. VCF-style: chrX-154463945-G-A. GRCh37 (hg19) VCF-style: chrX-153692288-G-A.
Identifiers: ClinVar variation 3035981 (VCV003035981.2), dbSNP rs782458439, ClinGen allele CA10564088.
Genomic context (GRCh38, chrX:154,463,945, plus strand): 5'-TGAGCTGGACAGGCCTGGGCCCTCCCGGGGCAGTGGCGGGACCGGCTCTGGCCCGACCCC[G>A]TGCAGGTGCTGCCGCGAAGGGGCCTGTCTGGGCGCCTCTGCCCCACACGGCTTTGCTGAG-3'